The following is an entry in ClinVar:

ClinVar aggregate classification (germline): Pathogenic (1 of 4 stars; one submission).

Submission:

Labcorp Genetics (formerly Invitae), Labcorp
Classification: Pathogenic. Last evaluated: 2023-10-05. Review status: criteria provided, single submitter. Criteria: Invitae Variant Classification Sherloc (09022015). Collection method: clinical testing. Allele origin: germline.
Comment: This sequence change creates a premature translational stop signal (p.Asn433Thrfs*16) in the FH gene. While this is not anticipated to result in nonsense mediated decay, it is expected to disrupt the last 78 amino acid(s) of the FH protein. This variant is not present in population databases (gnomAD no frequency). This variant has not been reported in the literature in individuals affected with FH-related conditions. This variant disrupts a region of the FH protein in which other variant(s) (p.Trp500*) have been determined to be pathogenic (PMID: 9635293). This suggests that this is a clinically significant region of the protein, and that variants that disrupt it are likely to be disease-causing. For these reasons, this variant has been classified as Pathogenic.

Literature cited by the submitters: PubMed 9635293.

NM_000143.4(FH):c.1298del (p.Asn433fs)

Gene: FH (fumarate hydratase; minus strand). Cytogenetic location: 1q43.
Variant type: Deletion.
Coding change: c.1298del on transcript NM_000143.4 (MANE Select); coding-DNA position 1298, one base deleted (A; older notation c.1298delA).
Protein change: p.Asn433fs; shifts the reading frame from asparagine 433.
Molecular consequence: frameshift variant.
Genome position (GRCh38, 1-based): chr1:241,500,529, T deleted on the plus strand (A on the coding strand, the reverse complement: FH is on the minus strand); the first of 4 consecutive T bases (chr1:241,500,529-241,500,532); deleting any one gives the same sequence. VCF-style (leftmost placement, unchanged base first): chr1-241500528-GT-G. GRCh37 (hg19) VCF-style: chr1-241663828-GT-G.
Other names: short protein forms N433fs.
Identifiers: ClinVar variation 2765885 (VCV002765885.3), dbSNP rs1573878071, ClinGen allele CA2697547757.
Genomic context (GRCh38, chr1:241,500,528, plus strand): 5'-TAGAGACTCATTCATCAGCTTGTTGATCCTTTCTGTATTGGCCTGGATTCCCACCACGCA[GT>G]TTTCTGTAAAGGAAACTGAAGCATCCCCCAGCAGCCTGGCTGAGTGTAACACATTTTTAA-3'